The following is an entry in ClinVar:

NM_003721.4(RFXANK):c.602A>T (p.Asn201Ile)

Gene: RFXANK (regulatory factor X associated ankyrin containing protein; plus strand). Cytogenetic location: 19p13.11.
Variant type: single nucleotide variant.
Coding change: c.602A>T on transcript NM_003721.4 (MANE Select); coding-DNA position 602, A replaced by T.
Protein change: p.Asn201Ile; replaces asparagine 201 with isoleucine.
Molecular consequence: missense variant.
Genome position (GRCh38, 1-based): chr19:19,198,694, A>T. VCF-style: chr19-19198694-A-T. GRCh37 (hg19) VCF-style: chr19-19309503-A-T.
Other names: c.536A>T, p.Asn179Ile (NM_001278727.2, NM_001370234.1); c.533A>T, p.Asn178Ile (NM_001278728.2, NM_134440.3); c.602A>T, p.Asn201Ile (NM_001370233.1, NM_001370238.1); c.599A>T, p.Asn200Ile (NM_001370235.1, NM_001370236.1, NM_001370237.1); short protein forms N179I, N200I, N201I, N178I.
Identifiers: ClinVar variation 648224 (VCV000648224.6), dbSNP rs1599785560, ClinGen allele CA404896791.

ClinVar aggregate classification (germline): Uncertain significance (1 of 4 stars; one submission).

Conditions:
MHC class II deficiency. Also called: Bare lymphocyte syndrome 2; BLS, TYPE II. Identifiers: Orphanet 572, MedGen C5447452, MONDO:0008855.

Allele frequency attached by ClinVar (database versions not stated): gnomAD exomes below 0.00001; TOPMed 0.00001.
gnomAD v4.1: 1 of 1,614,006 alleles (0.000062%); highest among the groups gnomAD compares: Non-Finnish European, 0.000085%; no homozygotes.

Submission:

Labcorp Genetics (formerly Invitae), Labcorp
Classification: Uncertain significance for MHC class II deficiency. Last evaluated: 2022-02-18. Review status: criteria provided, single submitter. Criteria: Invitae Variant Classification Sherloc (09022015). Collection method: clinical testing. Allele origin: germline.
Comment: This sequence change replaces asparagine, which is neutral and polar, with isoleucine, which is neutral and non-polar, at codon 201 of the RFXANK protein (p.Asn201Ile). This variant is not present in population databases (gnomAD no frequency). This variant has not been reported in the literature in individuals affected with RFXANK-related conditions. ClinVar contains an entry for this variant (Variation ID: 648224). Algorithms developed to predict the effect of missense changes on protein structure and function (SIFT, PolyPhen-2, Align-GVGD) all suggest that this variant is likely to be disruptive. In summary, the available evidence is currently insufficient to determine the role of this variant in disease. Therefore, it has been classified as a Variant of Uncertain Significance.